The following is an entry in ClinVar:

ClinVar aggregate classification (germline): Uncertain significance. Review status: criteria provided, multiple submitters, no conflicts (2 of 4 stars). 5 submissions from 5 submitters: Uncertain significance (5). Last evaluated 2025-12-09.

Conditions:
Hereditary pheochromocytoma and paraganglioma. Also called: Hereditary Paraganglioma-Pheochromocytoma Syndromes; Hereditary pheochromocytoma-paraganglioma; Hereditary paragangliomas and pheochromocytomas. Identifiers: Orphanet 29072, MedGen C4274332, MONDO:0017366.
Gastrointestinal stromal tumor. Also called: Gastrointestinal stromal tumor, somatic; Gastrointestinal stroma tumor. Identifiers: Orphanet 44890, MedGen C0238198, MeSH D046152, MONDO:0011719, OMIM 606764, HP:0100723.
Pheochromocytoma/paraganglioma syndrome 3. Also called: Paragangliomas 3; SDHC-Related Hereditary Paraganglioma-Pheochromocytoma Syndrome (Paragangliomas 3); SDHC-Related Hereditary Paraganglioma-Pheochromocytoma Syndrome; GLOMUS TUMORS, FAMILIAL, 3. Identifiers: Orphanet 29072, MedGen C1854336, MONDO:0011544, OMIM 605373.
Carney-Stratakis syndrome. Also called: PARAGANGLIOMA AND GASTROINTESTINAL STROMAL TUMOR. Identifiers: Orphanet 97286, MedGen C1847319, MONDO:0011740, OMIM 606864.
Hereditary cancer-predisposing syndrome. Also called: Neoplastic Syndromes, Hereditary; Hereditary neoplastic syndrome; Hereditary Cancer Syndrome; Tumor predisposition. Identifiers: Orphanet 140162, MedGen C0027672, MeSH D009386, MONDO:0015356.

Allele frequency attached by ClinVar (database versions not stated): gnomAD exomes below 0.00001 and 0.00001; TOPMed below 0.00001; ExAC 0.00002.
gnomAD v4.1: 4 of 1,613,974 alleles (0.00025%); highest among the groups gnomAD compares: East Asian, 0.0067%; no homozygotes.

Submissions (5):

Labcorp Genetics (formerly Invitae), Labcorp
Classification: Uncertain significance for Pheochromocytoma/paraganglioma syndrome 3; Gastrointestinal stromal tumor. Last evaluated: 2025-12-09. Review status: criteria provided, single submitter. Criteria: Invitae Variant Classification Sherloc (09022015). Collection method: clinical testing. Allele origin: germline.
Comment: This sequence change replaces asparagine, which is neutral and polar, with serine, which is neutral and polar, at codon 43 of the SDHC protein (p.Asn43Ser). This variant is present in population databases (rs747349777, gnomAD 0.01%). This missense change has been observed in individual(s) with paraganglioma syndrome (PMID: 26273102). ClinVar contains an entry for this variant (Variation ID: 239448). An algorithm developed to predict the effect of missense changes on protein structure and function outputs the following: PolyPhen-2: "Benign". The serine amino acid residue is found in multiple mammalian species, which suggests that this missense change does not adversely affect protein function. In summary, the available evidence is currently insufficient to determine the role of this variant in disease. Therefore, it has been classified as a Variant of Uncertain Significance.

Ambry Genetics
Classification: Uncertain significance for Hereditary cancer-predisposing syndrome. Last evaluated: 2024-10-30. Review status: criteria provided, single submitter. Criteria: Ambry Variant Classification Scheme 2023. Collection method: clinical testing. Allele origin: germline.
Comment: The p.N43S variant (also known as c.128A>G), located in coding exon 3 of the SDHC gene, results from an A to G substitution at nucleotide position 128. The asparagine at codon 43 is replaced by serine, an amino acid with highly similar properties. This amino acid position is not well conserved in available vertebrate species. In addition, this alteration is predicted to be tolerated by in silico analysis. Based on the available evidence, the clinical significance of this variant remains unclear.

Molecular Pathology, Peter Maccallum Cancer Centre
Classification: Uncertain significance for Pheochromocytoma/paraganglioma syndrome 3. Last evaluated: 2024-03-01. Review status: criteria provided, single submitter. Criteria: ACMG Guidelines, 2015. Collection method: clinical testing. Allele origin: germline. Inheritance: Autosomal dominant inheritance.

Fulgent Genetics
Classification: Uncertain significance for Pheochromocytoma/paraganglioma syndrome 3; Gastrointestinal stromal tumor; Carney-Stratakis syndrome. Last evaluated: 2018-10-31. Review status: criteria provided, single submitter. Criteria: ACMG Guidelines, 2015. Collection method: clinical testing. Allele origin: unknown.

Illumina Laboratory Services, Illumina
Classification: Uncertain significance for Hereditary Paraganglioma-Pheochromocytoma Syndromes. Last evaluated: 2018-01-15. Review status: criteria provided, single submitter. Criteria: ICSL Variant Classification Criteria 13 December 2019. Collection method: clinical testing. Allele origin: germline.

Literature cited by the submitters: PubMed 26273102 (cited by Labcorp Genetics (formerly Invitae), Labcorp and Ambry Genetics); PubMed 30548481 (cited by Ambry Genetics).

NM_003001.5(SDHC):c.128A>G (p.Asn43Ser)

Gene: SDHC (succinate dehydrogenase complex subunit C; plus strand). Cytogenetic location: 1q23.3.
Variant type: single nucleotide variant.
Coding change: c.128A>G on transcript NM_003001.5 (MANE Select); coding-DNA position 128, A replaced by G.
Protein change: p.Asn43Ser; replaces asparagine 43 with serine.
Molecular consequence: missense variant. On other transcripts: non-coding transcript variant (1), intron variant (4).
Genome position (GRCh38, 1-based): chr1:161,328,446, A>G. VCF-style: chr1-161328446-A-G. GRCh37 (hg19) VCF-style: chr1-161298236-A-G.
Other names: c.71A>G, p.Asn24Ser (NM_001407117.1, NM_001407121.1, NM_001407116.1); c.17A>G, p.Asn6Ser (NM_001407119.1, NM_001407120.1); c.77+4776A>G (NM_001035512.3, NM_001278172.3, NM_001407118.1); c.21-12148A>G (NM_001035513.3); c.128A>G, p.Asn43Ser (NM_001035511.3, NM_001407115.1); short protein forms N43S, N24S, N6S.
Identifiers: ClinVar variation 239448 (VCV000239448.28), dbSNP rs747349777, ClinGen allele CA045754.